The following is an entry in ClinVar:

NM_138386.3(NAF1):c.241C>G (p.Pro81Ala)

Gene: NAF1 (nuclear assembly factor 1 ribonucleoprotein; minus strand). Cytogenetic location: 4q32.2.
Variant type: single nucleotide variant.
Coding change: c.241C>G on transcript NM_138386.3 (MANE Select); coding-DNA position 241, C replaced by G.
Protein change: p.Pro81Ala; replaces proline 81 with alanine.
Molecular consequence: missense variant.
Genome position (GRCh38, 1-based): chr4:163,166,487, G>C on the plus strand (C>G on the coding strand, the complement: NAF1 is on the minus strand). VCF-style: chr4-163166487-G-C. GRCh37 (hg19) VCF-style: chr4-164087639-G-C.
Other names: c.241C>G, p.Pro81Ala (NM_001128931.2); short protein forms P81A.
Identifiers: ClinVar variation 1336641 (VCV001336641.6), dbSNP rs901206379, ClinGen allele CA358661680.
Genomic context (GRCh38, chr4:163,166,487, plus strand): 5'-CTCCTGGGGAGGTGACGCAGTCTCCGCAGGCCGGCGATTCAGCCGGTGGCTGTGGCTGCG[G>C]CGCCGGGGTCCCGGCCGCGACGGCGTTCAGAACGGGCTGCAGAGGCTGCTCCCCGGCAGG-3'
Protein context (NP_612395.2, residues 71-91): LNAVAAGTPA[Pro81Ala]QPQPPAESPA

ClinVar aggregate classification (germline): Uncertain significance. Review status: criteria provided, multiple submitters, no conflicts (2 of 4 stars). 3 submissions from 3 submitters: Uncertain significance (3). Last evaluated 2026-02-11.

Conditions:
Pulmonary fibrosis and/or bone marrow failure syndrome, telomere-related, 7 (PFBMFT7). Identifiers: MedGen C5830485, MONDO:0957261, OMIM 620365.

gnomAD v4.1: 4 of 1,600,150 alleles (0.00025%); highest among the groups gnomAD compares: Non-Finnish European, 0.00034%; no homozygotes.

Submissions (3):

St. Jude Molecular Pathology, St. Jude Children's Research Hospital
Classification: Uncertain significance for Pulmonary fibrosis and/or bone marrow failure syndrome, telomere-related, 7. Last evaluated: 2026-02-11. Review status: criteria provided, single submitter. Criteria: St. Jude Assertion Criteria 2020. Collection method: clinical testing. Allele origin: germline.
Comment: The NAF1 c.241C>G p.(Pro81Ala) missense change is absent in gnomAD v2.1.1. The in silico tool REVEL predicts a benign effect on protein function, but to our knowledge this prediction has not been confirmed by functional studies. To our knowledge, this variant has not been reported in individuals with dyskeratosis congenita. In summary, the evidence currently available is insufficient to determine the clinical significance of this variant. It has therefore been classified as of uncertain significance.

Ambry Genetics
Classification: Uncertain significance. Last evaluated: 2025-12-08. Review status: criteria provided, single submitter. Criteria: Ambry Variant Classification Scheme 2023. Collection method: clinical testing. Allele origin: germline.

Genetic Services Laboratory, University of Chicago
Classification: Uncertain significance. Last evaluated: 2018-03-27. Review status: criteria provided, single submitter. Criteria: ACMG Guidelines, 2015. Collection method: clinical testing. Allele origin: germline. Affected: no.